The following is an entry in ClinVar:

ClinVar aggregate classification (germline): Uncertain significance (1 of 4 stars; one submission).

Conditions:
RASopathy. Also called: rasopathies; Noonan spectrum disorder. Identifiers: Orphanet 536391, MedGen C5555857, MONDO:0021060.

gnomAD v4.1: 8 of 1,613,006 alleles (0.0005%); highest among the groups gnomAD compares: East Asian, 0.016%; no homozygotes.

Submission:

Labcorp Genetics (formerly Invitae), Labcorp
Classification: Uncertain significance for RASopathy. Last evaluated: 2024-12-17. Review status: criteria provided, single submitter. Criteria: Invitae Variant Classification Sherloc (09022015). Collection method: clinical testing. Allele origin: germline.
Comment: This sequence change falls in intron 4 of the CBL gene. It does not directly change the encoded amino acid sequence of the CBL protein. This variant is not present in population databases (gnomAD no frequency). This variant has not been reported in the literature in individuals affected with CBL-related conditions. Algorithms developed to predict the effect of sequence changes on RNA splicing suggest that this variant may disrupt the consensus splice site. In summary, the available evidence is currently insufficient to determine the role of this variant in disease. Therefore, it has been classified as a Variant of Uncertain Significance.

NM_005188.4(CBL):c.748-12T>C

Gene: CBL (Cbl proto-oncogene; plus strand). Cytogenetic location: 11q23.3.
Variant type: single nucleotide variant.
Coding change: c.748-12T>C on transcript NM_005188.4 (MANE Select); 12 bases into the intron before coding-DNA position 748, T replaced by C.
Molecular consequence: intron variant.
Genome position (GRCh38, 1-based): chr11:119,274,820, T>C. VCF-style: chr11-119274820-T-C. GRCh37 (hg19) VCF-style: chr11-119145530-T-C.
Identifiers: ClinVar variation 3727506 (VCV003727506.2).